The following is an entry in ClinVar:

ClinVar aggregate classification (germline): Uncertain significance. Review status: criteria provided, multiple submitters, no conflicts (2 of 4 stars). 3 submissions from 3 submitters: Uncertain significance (3). Last evaluated 2025-11-02.

Conditions:
Microcephaly, normal intelligence and immunodeficiency (NBS). Also called: Ataxia telangiectasia variant V1; Nijmegen breakage syndrome; Immunodeficiency, microcephaly with normal intelligence; IMMUNODEFICIENCY, MICROCEPHALY, AND CHROMOSOMAL INSTABILITY; SEEMANOVA SYNDROME II; BERLIN BREAKAGE SYNDROME. Identifiers: Orphanet 647, MedGen C0398791, MONDO:0009623, OMIM 251260.
Hereditary cancer-predisposing syndrome. Also called: Neoplastic Syndromes, Hereditary; Hereditary neoplastic syndrome; Tumor predisposition; Hereditary Cancer Syndrome. Identifiers: Orphanet 140162, MedGen C0027672, MeSH D009386, MONDO:0015356.
Aplastic anemia. Identifiers: Orphanet 182040, Orphanet 88, MedGen C0002874, MONDO:0015909, OMIM 609135, HP:0001915.

Allele frequency attached by ClinVar (database versions not stated): TOPMed 0.00001.
gnomAD v4.1: 1 of 1,613,922 alleles (0.000062%); highest among the groups gnomAD compares: African/African-American, 0.0013%; no homozygotes.

Submissions (3):

Ambry Genetics
Classification: Uncertain significance for Hereditary cancer-predisposing syndrome. Last evaluated: 2025-11-02. Review status: criteria provided, single submitter. Criteria: Ambry Variant Classification Scheme 2023. Collection method: clinical testing. Allele origin: germline.
Comment: The p.I33M variant (also known as c.99T>G), located in coding exon 2 of the NBN gene, results from a T to G substitution at nucleotide position 99. The isoleucine at codon 33 is replaced by methionine, an amino acid with highly similar properties. This amino acid position is highly conserved in available vertebrate species. In addition, the in silico prediction for this alteration is inconclusive. Since supporting evidence is limited at this time, the clinical significance of this alteration remains unclear.

Labcorp Genetics (formerly Invitae), Labcorp
Classification: Uncertain significance for Microcephaly, normal intelligence and immunodeficiency. Last evaluated: 2023-08-17. Review status: criteria provided, single submitter. Criteria: Invitae Variant Classification Sherloc (09022015). Collection method: clinical testing. Allele origin: germline.
Comment: In summary, the available evidence is currently insufficient to determine the role of this variant in disease. Therefore, it has been classified as a Variant of Uncertain Significance. An algorithm developed to predict the effect of missense changes on protein structure and function (PolyPhen-2) suggests that this variant is likely to be disruptive. ClinVar contains an entry for this variant (Variation ID: 834765). This variant has not been reported in the literature in individuals affected with NBN-related conditions. This variant is not present in population databases (gnomAD no frequency). This sequence change replaces isoleucine, which is neutral and non-polar, with methionine, which is neutral and non-polar, at codon 33 of the NBN protein (p.Ile33Met).

Baylor Genetics
Classification: Uncertain significance for Aplastic anemia. Last evaluated: 2023-06-13. Review status: criteria provided, single submitter. Criteria: ACMG Guidelines, 2015. Collection method: clinical testing. Allele origin: unknown.

NM_002485.5(NBN):c.99T>G (p.Ile33Met)

Gene: NBN (nibrin; minus strand). Cytogenetic location: 8q21.3.
Variant type: single nucleotide variant.
Coding change: c.99T>G on transcript NM_002485.5 (MANE Select); coding-DNA position 99, T replaced by G.
Protein change: p.Ile33Met; replaces isoleucine 33 with methionine.
Molecular consequence: missense variant. On other transcripts: 5 prime UTR variant (1).
Genome position (GRCh38, 1-based): chr8:89,982,794, A>C on the plus strand (T>G on the coding strand, the complement: NBN is on the minus strand). VCF-style: chr8-89982794-A-C. GRCh37 (hg19) VCF-style: chr8-90995022-A-C.
Other names: c.-198T>G (NM_001024688.3); short protein forms I33M.
Identifiers: ClinVar variation 834765 (VCV000834765.13), dbSNP rs1172365532, ClinGen allele CA371663283.